The following is an entry in ClinVar:

NM_000130.5(F5):c.4739G>A (p.Arg1580Lys)

Gene: F5 (coagulation factor V; minus strand). Cytogenetic location: 1q24.2.
Variant type: single nucleotide variant.
Coding change: c.4739G>A on transcript NM_000130.5 (MANE Select); coding-DNA position 4739, G replaced by A.
Protein change: p.Arg1580Lys; replaces arginine 1580 with lysine.
Molecular consequence: missense variant.
Genome position (GRCh38, 1-based): chr1:169,540,351, C>T on the plus strand (G>A on the coding strand, the complement: F5 is on the minus strand). VCF-style: chr1-169540351-C-T. GRCh37 (hg19) VCF-style: chr1-169509589-C-T.
Other names: short protein forms R1580K.
Identifiers: ClinVar variation 3776431 (VCV003776431.1).
Genomic context (GRCh38, chr1:169,540,351, plus strand): 5'-AACCTTTGTACAAATTCTGAATAATCCCAGGATATTTCTTCAGCAGCAATGTAATAATTT[C>T]TTCTGTTTCCATTGTTGCTGCGGAGGTACCATGCTGCAATGTTGTCAGGATCTCTGGAGG-3'
Protein context (NP_000121.2, residues 1570-1590): WYLRSNNGNR[Arg1580Lys]NYYIAAEEIS

ClinVar aggregate classification (germline): Uncertain significance (1 of 4 stars; one submission).

Submission:

GeneDx
Classification: Uncertain significance. Last evaluated: 2024-10-01. Review status: criteria provided, single submitter. Criteria: GeneDx Variant Classification Process June 2021. Collection method: clinical testing. Allele origin: germline. Affected: yes.
Comment: Not observed at significant frequency in large population cohorts (gnomAD); In silico analysis indicates that this missense variant does not alter protein structure/function; Has not been previously published as pathogenic or benign to our knowledge